The following is an entry in ClinVar:

ClinVar aggregate classification (germline): Uncertain significance (1 of 4 stars; one submission).

Conditions:
Charcot-Marie-Tooth disease type 2. Also called: Charcot-Marie-Tooth type 2. Identifiers: Orphanet 64746, MedGen C0270914, MONDO:0018993.

Allele frequency attached by ClinVar (database versions not stated): gnomAD exomes below 0.00001.
gnomAD v4.1: 2 of 1,613,246 alleles (0.00012%); highest among the groups gnomAD compares: Non-Finnish European, 0.00017%; no homozygotes.

Submission:

Labcorp Genetics (formerly Invitae), Labcorp
Classification: Uncertain significance for Charcot-Marie-Tooth disease type 2. Last evaluated: 2022-04-18. Review status: criteria provided, single submitter. Criteria: Invitae Variant Classification Sherloc (09022015). Collection method: clinical testing. Allele origin: germline.
Comment: This variant has not been reported in the literature in individuals affected with GARS-related conditions. ClinVar contains an entry for this variant (Variation ID: 543165). Algorithms developed to predict the effect of missense changes on protein structure and function are either unavailable or do not agree on the potential impact of this missense change (SIFT: "Deleterious"; PolyPhen-2: "Probably Damaging"; Align-GVGD: "Class C15"). In summary, the available evidence is currently insufficient to determine the role of this variant in disease. Therefore, it has been classified as a Variant of Uncertain Significance. This variant is not present in population databases (gnomAD no frequency). This sequence change replaces serine, which is neutral and polar, with phenylalanine, which is neutral and non-polar, at codon 273 of the GARS protein (p.Ser273Phe).

NM_002047.4(GARS1):c.818C>T (p.Ser273Phe)

Gene: GARS1 (glycyl-tRNA synthetase 1; plus strand). Cytogenetic location: 7p14.3.
Variant type: single nucleotide variant.
Coding change: c.818C>T on transcript NM_002047.4 (MANE Select); coding-DNA position 818, C replaced by T.
Protein change: p.Ser273Phe; replaces serine 273 with phenylalanine.
Molecular consequence: missense variant.
Genome position (GRCh38, 1-based): chr7:30,609,667, C>T. VCF-style: chr7-30609667-C-T. GRCh37 (hg19) VCF-style: chr7-30649283-C-T.
Other names: c.818C>T (LRG_243t1); c.656C>T, p.Ser219Phe (NM_001316772.1); short protein forms S273F, S219F.
Identifiers: ClinVar variation 543165 (VCV000543165.8), dbSNP rs1554337983, ClinGen allele CA367124482.